The following is an entry in ClinVar:

ClinVar aggregate classification (germline): Benign/Likely benign. Review status: criteria provided, multiple submitters, no conflicts (2 of 4 stars). 4 submissions from 4 submitters: Benign (1); Likely benign (2). 1 of the submissions does not count toward it. Last evaluated 2026-02-02.

Conditions:
FLNA-related disorder.
Melnick-Needles syndrome (MNS). Also called: MELNICK-NEEDLES OSTEODYSPLASTY; Melnick-Needles Syndrome (FLNA-MNS); OSTEODYSPLASTY OF MELNICK AND NEEDLES. Identifiers: Orphanet 2484, MedGen C0025237, MONDO:0010650, OMIM 309350.
Frontometaphyseal dysplasia (FMD1). Identifiers: Orphanet 1826, MedGen C0265293, MONDO:0015942.
Heterotopia, periventricular, X-linked dominant (PVNH1). Also called: PERIVENTRICULAR NODULAR HETEROTOPIA 4; HETEROTOPIA, PERIVENTRICULAR, 1; PERIVENTRICULAR NODULAR HETEROTOPIA 1; X-linked periventricular heterotopia. Identifiers: Orphanet 2149, Orphanet 82004, MedGen C1848213, MONDO:0010233, OMIM 300049.
Oto-palato-digital syndrome, type II (OPD2). Also called: Otopalatodigital Syndrome Type 2 (FLNA-OPD2); FACIOPALATOOSSEOUS SYNDROME; OPD II SYNDROME; Otopalatodigital Syndrome, Type II. Identifiers: Orphanet 669, Orphanet 90652, MedGen C1844696, MONDO:0010571, OMIM 304120.
Familial thoracic aortic aneurysm and aortic dissection (TAAD). Also called: Thoracic aortic aneurysms and dissections. Identifiers: Orphanet 91387, MedGen C4707243, MONDO:0019625.

Allele frequency attached by ClinVar (database versions not stated): gnomAD exomes 0.00004 and 0.00015; gnomAD 0.00010 and 0.00014; TOPMed 0.00013; ExAC 0.00015; 1000 Genomes Project 30x 0.00125; 1000 Genomes Project 0.00132.
gnomAD v4.1: 61 of 1,207,247 alleles (0.0051%); highest among the groups gnomAD compares: East Asian, 0.13%; 1 homozygote.

Submissions (4):

Labcorp Genetics (formerly Invitae), Labcorp
Classification: Likely benign for Oto-palato-digital syndrome, type II; Heterotopia, periventricular, X-linked dominant; Frontometaphyseal dysplasia; Melnick-Needles syndrome. Last evaluated: 2026-02-02. Review status: criteria provided, single submitter. Criteria: Invitae Variant Classification Sherloc (09022015). Collection method: clinical testing. Allele origin: germline.

Ambry Genetics
Classification: Benign for Familial thoracic aortic aneurysm and aortic dissection. Last evaluated: 2022-10-14. Review status: criteria provided, single submitter. Criteria: Ambry Variant Classification Scheme 2023. Collection method: clinical testing. Allele origin: germline.

GeneDx
Classification: Likely benign. Last evaluated: 2017-06-28. Review status: criteria provided, single submitter. Criteria: GeneDx Variant Classification (06012015). Collection method: clinical testing. Allele origin: germline. Affected: yes.
Comment: This variant is considered likely benign or benign based on one or more of the following criteria: it is a conservative change, it occurs at a poorly conserved position in the protein, it is predicted to be benign by multiple in silico algorithms, and/or has population frequency not consistent with disease.

PreventionGenetics, part of Exact Sciences
Classification: Likely benign for FLNA-related condition. Last evaluated: 2022-07-20. Review status: no assertion criteria provided. Collection method: clinical testing. Allele origin: germline. Not counted in ClinVar's aggregate classification.
Comment: This variant is classified as likely benign based on ACMG/AMP sequence variant interpretation guidelines (Richards et al. 2015 PMID: 25741868, with internal and published modifications).

NM_001110556.2(FLNA):c.2027A>G (p.Lys676Arg)

Gene: FLNA (filamin A; minus strand). Cytogenetic location: Xq28.
Variant type: single nucleotide variant.
Coding change: c.2027A>G on transcript NM_001110556.2 (MANE Select); coding-DNA position 2027, A replaced by G.
Protein change: p.Lys676Arg; replaces lysine 676 with arginine.
Molecular consequence: missense variant.
Genome position (GRCh38, 1-based): chrX:154,364,368, T>C on the plus strand (A>G on the coding strand, the complement: FLNA is on the minus strand). VCF-style: chrX-154364368-T-C. GRCh37 (hg19) VCF-style: chrX-153592736-T-C.
Other names: c.2027A>G, p.Lys676Arg (NM_001456.4); c.2027A>G (NM_001110556.1); short protein forms K676R.
Identifiers: ClinVar variation 510570 (VCV000510570.16), dbSNP rs781798819, ClinGen allele CA10561020.